The following is an entry in ClinVar:

NM_006904.7(PRKDC):c.290G>A (p.Gly97Asp)

Gene: PRKDC (protein kinase, DNA-activated, catalytic subunit; minus strand). Cytogenetic location: 8q11.21.
Variant type: single nucleotide variant.
Coding change: c.290G>A on transcript NM_006904.7 (MANE Select); coding-DNA position 290, G replaced by A.
Protein change: p.Gly97Asp; replaces glycine 97 with aspartic acid.
Molecular consequence: missense variant.
Genome position (GRCh38, 1-based): chr8:47,957,205, C>T on the plus strand (G>A on the coding strand, the complement: PRKDC is on the minus strand). VCF-style: chr8-47957205-C-T. GRCh37 (hg19) VCF-style: chr8-48869765-C-T.
Other names: c.290G>A, p.Gly97Asp (NM_001081640.2); short protein forms G97D.
Identifiers: ClinVar variation 1797567 (VCV001797567.2), dbSNP rs2551882324, ClinGen allele CA371140969.
Genomic context (GRCh38, chr8:47,957,205, plus strand): 5'-AATAAGGTATGTTTTTTAATTCTTACCTTAATTTCAACAGAGTAAGGTGCGATCTTCTGG[C>T]CCATTTTTTCTAAGAAAATACATAAAAACTTTAGGATTTCTTCTCTACATTCACGAAACT-3'
Protein context (NP_008835.5, residues 87-107): KFLCIFLEKM[Gly97Asp]QKIAPYSVEI

ClinVar aggregate classification (germline): Uncertain significance (1 of 4 stars; one submission).

gnomAD v4.1: 6 of 1,599,432 alleles (0.00038%); highest among the groups gnomAD compares: Non-Finnish European, 0.00051%; no homozygotes.

Submission:

Ambry Genetics
Classification: Uncertain significance. Last evaluated: 2022-08-03. Review status: criteria provided, single submitter. Criteria: Ambry Variant Classification Scheme 2023. Collection method: clinical testing. Allele origin: germline.
Comment: The p.G97D variant (also known as c.290G>A), located in coding exon 3 of the PRKDC gene, results from a G to A substitution at nucleotide position 290. The glycine at codon 97 is replaced by aspartic acid, an amino acid with similar properties. This amino acid position is conserved. In addition, this alteration is predicted to be tolerated by in silico analysis. Since supporting evidence is limited at this time, the clinical significance of this alteration remains unclear.